The following is an entry in ClinVar:

ClinVar aggregate classification (germline): Uncertain significance (1 of 4 stars; one submission).

Conditions:
Neuropathy, hereditary sensory, type 1F. Also called: HSN IF; Hereditary sensory neuropathy type IF. Identifiers: Orphanet 36386, MedGen C3810194, MONDO:0014286, OMIM 615632.

Submission:

Labcorp Genetics (formerly Invitae), Labcorp
Classification: Uncertain significance for Neuropathy, hereditary sensory, type 1F. Last evaluated: 2024-06-01. Review status: criteria provided, single submitter. Criteria: Invitae Variant Classification Sherloc (09022015). Collection method: clinical testing. Allele origin: germline.
Comment: This sequence change replaces glutamic acid, which is acidic and polar, with lysine, which is basic and polar, at codon 180 of the ATL3 protein (p.Glu180Lys). This variant is not present in population databases (gnomAD no frequency). This variant has not been reported in the literature in individuals affected with ATL3-related conditions. Advanced modeling of protein sequence and biophysical properties (such as structural, functional, and spatial information, amino acid conservation, physicochemical variation, residue mobility, and thermodynamic stability) performed at Invitae indicates that this missense variant is not expected to disrupt ATL3 protein function with a negative predictive value of 80%. In summary, the available evidence is currently insufficient to determine the role of this variant in disease. Therefore, it has been classified as a Variant of Uncertain Significance.

NM_015459.5(ATL3):c.538G>A (p.Glu180Lys)

Genes: ATL3 (atlastin GTPase 3; minus strand), LNCROPM (lncRNA regulator of PLAAT3 mediated phospholipid metabolism; plus strand). Cytogenetic location: 11q13.1.
Variant type: single nucleotide variant.
Coding change: c.538G>A on transcript NM_015459.5 (MANE Select); coding-DNA position 538, G replaced by A.
Protein change: p.Glu180Lys; replaces glutamic acid 180 with lysine.
Molecular consequence: missense variant.
Genome position (GRCh38, 1-based): chr11:63,651,959, C>T on the plus strand (G>A on the coding strand, the complement: ATL3 is on the minus strand). VCF-style: chr11-63651959-C-T. GRCh37 (hg19) VCF-style: chr11-63419431-C-T.
Other names: c.484G>A, p.Glu162Lys (NM_001290048.2); short protein forms E180K, E162K.
Identifiers: ClinVar variation 3655244 (VCV003655244.2).